The following is an entry in ClinVar:

ClinVar aggregate classification (germline): Likely benign (1 of 4 stars; one submission).

Conditions:
Marfan syndrome (MFS). Also called: MARFAN SYNDROME, TYPE I; Marfan syndrome type 1; Marfan's syndrome; Marfan syndrome, classic; FBN1-Related Marfan Syndrome. Identifiers: Orphanet 284963, Orphanet 558, MedGen C0024796, MONDO:0007947, OMIM 154700.

Allele frequency attached by ClinVar (database versions not stated): gnomAD exomes below 0.00001.
gnomAD v4.1: 5 of 1,613,964 alleles (0.00031%); highest among the groups gnomAD compares: Non-Finnish European, 0.00042%; no homozygotes.

Submission:

All of Us Research Program, National Institutes of Health
Classification: Likely benign for Marfan syndrome. Last evaluated: 2024-05-14. Review status: criteria provided, single submitter. Criteria: ACMG Guidelines, 2015. Collection method: clinical testing. Allele origin: germline. Inheritance: Autosomal dominant inheritance. Observed: 2 variant alleles, 2 heterozygotes.
Comment: This study involves interpretation of variants in research participants for the purpose of population health screening. Participant phenotype was not available at the time of variant classification. Additional details can be found in publication PMID: 35346344, PMCID: PMC8962531

NM_000138.5(FBN1):c.2535C>T (p.Cys845=)

Gene: FBN1 (fibrillin 1; minus strand). Cytogenetic location: 15q21.1.
Variant type: single nucleotide variant.
Coding change: c.2535C>T on transcript NM_000138.5 (MANE Select); coding-DNA position 2535, C replaced by T.
Protein change: p.Cys845=; no amino-acid change (cysteine 845 retained).
Molecular consequence: synonymous variant.
Genome position (GRCh38, 1-based): chr15:48,495,473, G>A on the plus strand (C>T on the coding strand, the complement: FBN1 is on the minus strand). VCF-style: chr15-48495473-G-A. GRCh37 (hg19) VCF-style: chr15-48787670-G-A.
Other names: c.2535C>T, p.Cys845= (NM_001406716.1).
Identifiers: ClinVar variation 3070153 (VCV003070153.2), dbSNP rs1487696125, ClinGen allele CA490022645.